The following is an entry in ClinVar:

ClinVar aggregate classification (germline): Uncertain significance (1 of 4 stars; one submission).

Allele frequency attached by ClinVar (database versions not stated): gnomAD exomes below 0.00001; gnomAD 0.00001.
gnomAD v4.1: 2 of 1,608,544 alleles (0.00012%); highest among the groups gnomAD compares: African/African-American, 0.0027%; no homozygotes.

Submission:

Labcorp Genetics (formerly Invitae), Labcorp
Classification: Uncertain significance. Last evaluated: 2024-08-05. Review status: criteria provided, single submitter. Criteria: Invitae Variant Classification Sherloc (09022015). Collection method: clinical testing. Allele origin: germline.
Comment: This sequence change replaces threonine, which is neutral and polar, with isoleucine, which is neutral and non-polar, at codon 378 of the GUCY2C protein (p.Thr378Ile). This variant is not present in population databases (gnomAD no frequency). This variant has not been reported in the literature in individuals affected with GUCY2C-related conditions. Advanced modeling of protein sequence and biophysical properties (such as structural, functional, and spatial information, amino acid conservation, physicochemical variation, residue mobility, and thermodynamic stability) performed at Invitae indicates that this missense variant is not expected to disrupt GUCY2C protein function with a negative predictive value of 80%. In summary, the available evidence is currently insufficient to determine the role of this variant in disease. Therefore, it has been classified as a Variant of Uncertain Significance.

NM_004963.4(GUCY2C):c.1133C>T (p.Thr378Ile)

Genes: GUCY2C-AS1 (GUCY2C antisense RNA 1; plus strand), GUCY2C (guanylate cyclase 2C; minus strand). Cytogenetic location: 12p12.3.
Variant type: single nucleotide variant.
Coding change: c.1133C>T on transcript NM_004963.4 (MANE Select); coding-DNA position 1133, C replaced by T.
Protein change: p.Thr378Ile; replaces threonine 378 with isoleucine.
Molecular consequence: missense variant.
Genome position (GRCh38, 1-based): chr12:14,672,910, G>A on the plus strand (C>T on the coding strand, the complement: GUCY2C is on the minus strand). VCF-style: chr12-14672910-G-A. GRCh37 (hg19) VCF-style: chr12-14825844-G-A.
Other names: short protein forms T378I.
Identifiers: ClinVar variation 2986426 (VCV002986426.3), dbSNP rs376604442, ClinGen allele CA233227953.